The following is an entry in ClinVar:

ClinVar aggregate classification (germline): Uncertain significance (1 of 4 stars; one submission).

Conditions:
Arrhythmogenic cardiomyopathy with wooly hair and keratoderma. Also called: PALMOPLANTAR KERATODERMA WITH LEFT VENTRICULAR CARDIOMYOPATHY AND WOOLLY HAIR; Carvajal syndrome; Arrhythmogenic cardiomyopathy with woolly hair and keratoderma; Dilated cardiomyopathy with woolly hair and keratoderma. Identifiers: Orphanet 65282, MedGen C1854063, MONDO:0011581, OMIM 605676.
Arrhythmogenic right ventricular dysplasia 8 (ARVD8). Also called: Arrhythmogenic Right Ventricular Dysplasia/Cardiomyopathy 8; ARRHYTHMOGENIC RIGHT VENTRICULAR DYSPLASIA, FAMILIAL, 8; ARRHYTHMOGENIC RIGHT VENTRICULAR CARDIOMYOPATHY 8. Identifiers: MedGen C1843896, MONDO:0011831, OMIM 607450.

Submission:

Labcorp Genetics (formerly Invitae), Labcorp
Classification: Uncertain significance for Arrhythmogenic cardiomyopathy with wooly hair and keratoderma; Arrhythmogenic right ventricular dysplasia 8. Last evaluated: 2023-09-07. Review status: criteria provided, single submitter. Criteria: Invitae Variant Classification Sherloc (09022015). Collection method: clinical testing. Allele origin: germline.
Comment: This sequence change replaces asparagine, which is neutral and polar, with aspartic acid, which is acidic and polar, at codon 1518 of the DSP protein (p.Asn1518Asp). This variant is not present in population databases (gnomAD no frequency). This variant has not been reported in the literature in individuals affected with DSP-related conditions. An algorithm developed to predict the effect of missense changes on protein structure and function (PolyPhen-2) suggests that this variant is likely to be tolerated. In summary, the available evidence is currently insufficient to determine the role of this variant in disease. Therefore, it has been classified as a Variant of Uncertain Significance.

NM_004415.4(DSP):c.4552A>G (p.Asn1518Asp)

Gene: DSP (desmoplakin; plus strand). Cytogenetic location: 6p24.3.
Variant type: single nucleotide variant.
Coding change: c.4552A>G on transcript NM_004415.4 (MANE Select); coding-DNA position 4552, A replaced by G.
Protein change: p.Asn1518Asp; replaces asparagine 1518 with aspartic acid.
Molecular consequence: missense variant. On other transcripts: intron variant (2).
Genome position (GRCh38, 1-based): chr6:7,580,742, A>G. VCF-style: chr6-7580742-A-G. GRCh37 (hg19) VCF-style: chr6-7580975-A-G.
Other names: c.4050+502A>G (NM_001319034.2); c.3582+970A>G (NM_001008844.3); short protein forms N1518D.
Identifiers: ClinVar variation 2933289 (VCV002933289.3), dbSNP rs2533929139, ClinGen allele CA362686563.